The following is an entry in ClinVar:

ClinVar aggregate classification (germline): Uncertain significance (1 of 4 stars; one submission).

Conditions:
3-methylglutaconic aciduria, type VIIB (MGCA7B). Also called: CLPB Deficiency; 3-methylglutaconic aciduria, type VII, with cataracts, neurologic involvement and neutropenia; 3-methylglutaconic aciduria with cataracts, neurologic involvement and neutropenia. Identifiers: Orphanet 445038, MedGen C5676893, MONDO:0014561, OMIM 616271.

gnomAD v4.1: 1 of 1,613,416 alleles (0.000062%); highest among the groups gnomAD compares: Non-Finnish European, 0.000085%; no homozygotes.

Submission:

Labcorp Genetics (formerly Invitae), Labcorp
Classification: Uncertain significance for 3-methylglutaconic aciduria, type VIIB. Last evaluated: 2025-06-01. Review status: criteria provided, single submitter. Criteria: Invitae Variant Classification Sherloc (09022015). Collection method: clinical testing. Allele origin: germline.
Comment: This sequence change replaces asparagine, which is neutral and polar, with serine, which is neutral and polar, at codon 145 of the CLPB protein (p.Asn145Ser). This variant is not present in population databases (gnomAD no frequency). This variant has not been reported in the literature in individuals affected with CLPB-related conditions. An algorithm developed to predict the effect of missense changes on protein structure and function (PolyPhen-2) suggests that this variant is likely to be tolerated. In summary, the available evidence is currently insufficient to determine the role of this variant in disease. Therefore, it has been classified as a Variant of Uncertain Significance.

NM_001258392.3(CLPB):c.434A>G (p.Asn145Ser)

Gene: CLPB (ClpB family mitochondrial disaggregase; minus strand). Cytogenetic location: 11q13.4.
Variant type: single nucleotide variant.
Coding change: c.434A>G on transcript NM_001258392.3 (MANE Select); coding-DNA position 434, A replaced by G.
Protein change: p.Asn145Ser; replaces asparagine 145 with serine.
Molecular consequence: missense variant. On other transcripts: synonymous variant (1).
Genome position (GRCh38, 1-based): chr11:72,430,333, T>C on the plus strand (A>G on the coding strand, the complement: CLPB is on the minus strand). VCF-style: chr11-72430333-T-C. GRCh37 (hg19) VCF-style: chr11-72141377-T-C.
Other names: c.434A>G, p.Asn145Ser (NM_001258393.3, NM_030813.6); c.192A>G, p.Gln64= (NM_001258394.3); short protein forms N145S.
Identifiers: ClinVar variation 4691683 (VCV004691683.1).
Genomic context (GRCh38, chr11:72,430,333, plus strand): 5'-TCTCCTGTAGGGGAGAGCAAGGCCTGGGGTTCAACTCACCTGCTGACTTCTTGCATATTG[T>C]TGGCACGGGCAGCTTCCAACAGGGCTGCATCTGAAGAGAAAGGGGGCACTGGTCAGATCC-3'
Protein context (NP_001245321.1, residues 135-155): DAALLEAARA[Asn145Ser]NMQEVSRLLS